The following is an entry in ClinVar:

NM_003038.5(SLC1A4):c.1430T>C (p.Leu477Pro)

Gene: SLC1A4 (solute carrier family 1 member 4; plus strand). Cytogenetic location: 2p14.
Variant type: single nucleotide variant.
Coding change: c.1430T>C on transcript NM_003038.5 (MANE Select); coding-DNA position 1430, T replaced by C.
Protein change: p.Leu477Pro; replaces leucine 477 with proline.
Molecular consequence: missense variant.
Genome position (GRCh38, 1-based): chr2:65,020,977, T>C. VCF-style: chr2-65020977-T-C. GRCh37 (hg19) VCF-style: chr2-65248111-T-C.
Other names: c.536T>C, p.Leu179Pro (NM_001193493.2); c.770T>C, p.Leu257Pro (NM_001348406.2, NM_001348407.2); short protein forms L179P, L257P, L477P.
Identifiers: ClinVar variation 5020814 (VCV005020814.1).
Genomic context (GRCh38, chr2:65,020,977, plus strand): 5'-GGACCACCACGGTGGTGAATGTGGAAGGGGATGCCCTGGGTGCAGGCATTCTCCACCACC[T>C]GAATCAGAAGGCAACAAAGAAAGGCGAGCAGGAACTTGCTGAGGTGAAAGTGGAAGCCAT-3'
Protein context (NP_003029.2, residues 467-487): DALGAGILHH[Leu477Pro]NQKATKKGEQ

ClinVar aggregate classification (germline): Uncertain significance (1 of 4 stars; one submission).

Submission:

Dasa
Classification: Uncertain significance. Last evaluated: 2025-10-31. Review status: criteria provided, single submitter. Criteria: DASA Assertion Criteria. Collection method: clinical testing. Allele origin: germline.
Comment: NM_003038.5(SLC1A4):c.1430T>C (p.Leu477Pro) is a missense variant that results in the substitution of leucine with proline. This variant is absent from population databases. Computational prediction algorithms are consistent with a deleterious effect. The currently available literature and clinical evidence are not sufficient to establish a definitive association between this variant and the reported condition. Therefore, this variant is classified as a variant of uncertain significance.